The following is an entry in ClinVar:

NM_003000.3(SDHB):c.795G>T (p.Glu265Asp)

Gene: SDHB (succinate dehydrogenase complex iron sulfur subunit B; minus strand). Cytogenetic location: 1p36.13.
Variant type: single nucleotide variant.
Coding change: c.795G>T on transcript NM_003000.3 (MANE Select); coding-DNA position 795, G replaced by T.
Protein change: p.Glu265Asp; replaces glutamic acid 265 with aspartic acid.
Molecular consequence: missense variant.
Genome position (GRCh38, 1-based): chr1:17,018,929, C>A on the plus strand (G>T on the coding strand, the complement: SDHB is on the minus strand). VCF-style: chr1-17018929-C-A. GRCh37 (hg19) VCF-style: chr1-17345424-C-A.
Other names: c.741G>T, p.Glu247Asp (NM_001407361.1); short protein forms E247D, E265D.
Identifiers: ClinVar variation 4864259 (VCV004864259.1).

ClinVar aggregate classification (germline): Uncertain significance (1 of 4 stars; one submission).

Conditions:
Hereditary cancer-predisposing syndrome. Also called: Neoplastic Syndromes, Hereditary; Tumor predisposition; Hereditary Cancer Syndrome; Hereditary neoplastic syndrome. Identifiers: Orphanet 140162, MedGen C0027672, MeSH D009386, MONDO:0015356.

Submission:

Ambry Genetics
Classification: Uncertain significance for Hereditary cancer-predisposing syndrome. Last evaluated: 2026-03-29. Review status: criteria provided, single submitter. Criteria: Ambry Variant Classification Scheme 2023. Collection method: clinical testing. Allele origin: germline.
Comment: The p.E265D variant (also known as c.795G>T), located in coding exon 8 of the SDHB gene, results from a G to T substitution at nucleotide position 795. The glutamic acid at codon 265 is replaced by aspartic acid, an amino acid with highly similar properties. This amino acid position is conserved. In addition, this alteration is predicted to be deleterious by in silico analysis. Based on the available evidence, the clinical significance of this variant remains unclear.